The following is an entry in ClinVar:

NM_031935.3(HMCN1):c.10508A>G (p.Lys3503Arg)

Gene: HMCN1 (hemicentin 1; plus strand). Cytogenetic location: 1q31.1.
Variant type: single nucleotide variant.
Coding change: c.10508A>G on transcript NM_031935.3 (MANE Select); coding-DNA position 10508, A replaced by G.
Protein change: p.Lys3503Arg; replaces lysine 3503 with arginine.
Molecular consequence: missense variant.
Genome position (GRCh38, 1-based): chr1:186,095,456, A>G. VCF-style: chr1-186095456-A-G. GRCh37 (hg19) VCF-style: chr1-186064588-A-G.
Other names: c.10508A>G (NM_031935.2); short protein forms K3503R.
Identifiers: ClinVar variation 3002328 (VCV003002328.4), dbSNP rs931050117, ClinGen allele CA33486746.
Genomic context (GRCh38, chr1:186,095,456, plus strand): 5'-CAGTCAGCACCCATGGAATGGTCCTGCAGCTCCTCAAAGCAGAGACTGAAGATTCGGGAA[A>G]GTACACCTGCATTGCCTCAAATGAAGCTGGAGAAGTCAGCAAGCACTTTATCCTCAAGGT-3'
Protein context (NP_114141.2, residues 3493-3513): LLKAETEDSG[Lys3503Arg]YTCIASNEAG

ClinVar aggregate classification (germline): Conflicting classifications of pathogenicity. Review status: criteria provided, conflicting classifications (1 of 4 stars). 2 submissions from 2 submitters: Uncertain significance (1); Likely benign (1). Last evaluated 2025-12-15.

Allele frequency attached by ClinVar (database versions not stated): gnomAD exomes below 0.00001; TOPMed below 0.00001.
gnomAD v4.1: 2 of 1,613,766 alleles (0.00012%); highest among the groups gnomAD compares: Admixed American, 0.0033%; no homozygotes.

Submissions (2):

Ambry Genetics
Classification: Likely benign. Last evaluated: 2025-12-15. Review status: criteria provided, single submitter. Criteria: Ambry Variant Classification Scheme 2023. Collection method: clinical testing. Allele origin: germline.

Labcorp Genetics (formerly Invitae), Labcorp
Classification: Uncertain significance. Last evaluated: 2023-07-03. Review status: criteria provided, single submitter. Criteria: Invitae Variant Classification Sherloc (09022015). Collection method: clinical testing. Allele origin: germline.
Comment: In summary, the available evidence is currently insufficient to determine the role of this variant in disease. Therefore, it has been classified as a Variant of Uncertain Significance. This sequence change replaces lysine, which is basic and polar, with arginine, which is basic and polar, at codon 3503 of the HMCN1 protein (p.Lys3503Arg). This variant is present in population databases (no rsID available, gnomAD 0.003%). This variant has not been reported in the literature in individuals affected with HMCN1-related conditions. Algorithms developed to predict the effect of missense changes on protein structure and function output the following: SIFT: "Not Available"; PolyPhen-2: "Benign"; Align-GVGD: "Not Available". The arginine amino acid residue is found in multiple mammalian species, which suggests that this missense change does not adversely affect protein function.